The following is an entry in ClinVar:

NM_001267550.2(TTN):c.2371-1G>A

Gene: TTN (titin; minus strand). Cytogenetic location: 2q31.2.
Variant type: single nucleotide variant.
Coding change: c.2371-1G>A on transcript NM_001267550.2 (MANE Select); the canonical splice acceptor site of the intron before coding-DNA position 2371, G replaced by A.
Molecular consequence: splice acceptor variant.
Genome position (GRCh38, 1-based): chr2:178,785,743, C>T on the plus strand (G>A on the coding strand, the complement: TTN is on the minus strand). VCF-style: chr2-178785743-C-T. GRCh37 (hg19) VCF-style: chr2-179650470-C-T.
Other names: c.2233-1G>A (NM_003319.4, NM_133437.4, NM_133432.3); c.2371-1G>A (NM_133378.4, NM_001256850.1, NM_133379.5).
Identifiers: ClinVar variation 582625 (VCV000582625.22), dbSNP rs755365744, ClinGen allele CA2005833.
Genomic context (GRCh38, chr2:178,785,743, plus strand): 5'-GCGGGGGCGTTTATCCACATGGACTAATCTTTCCGTTGTTAGATCTGTAGTTTTCTTGAT[C>T]TGCATTGAAATGAAACTCAGTGATACCATTGATCACCAGATGACCACAGCAGTGAGGCTT-3'

ClinVar aggregate classification (germline): Conflicting classifications of pathogenicity. Review status: criteria provided, conflicting classifications (1 of 4 stars). 7 submissions from 7 submitters: Likely pathogenic (3); Uncertain significance (4). Last evaluated 2026-02-05.

Conditions:
Autosomal recessive titinopathy. Identifiers: MedGen CN315649, MONDO:0100493.
Autosomal recessive limb-girdle muscular dystrophy type 2J (LGMDR10). Also called: MUSCULAR DYSTROPHY, LIMB-GIRDLE, AUTOSOMAL RECESSIVE 10; Limb-girdle muscular dystrophy, type 2J. Identifiers: Orphanet 140922, MedGen C1837342, MONDO:0012127, OMIM 608807.
Dilated cardiomyopathy 1G (CMD1G). Identifiers: Orphanet 154, MedGen C1858763, MONDO:0011400, OMIM 604145.
TTN-related disorder. Also called: TTN-related condition; TTN-related disease; TTN-related disorders.
Hypertrophic cardiomyopathy 9. Also called: Familial hypertrophic cardiomyopathy 9. Identifiers: MedGen C1861065, MONDO:0013412, OMIM 613765.
Early-onset myopathy with fatal cardiomyopathy (CMYO5). Also called: CONGENITAL MYOPATHY 5 WITH CARDIOMYOPATHY; Salih Myopathy. Identifiers: Orphanet 289377, MedGen C2673677, MONDO:0012714, OMIM 611705. Disease mechanism: loss of function.
Myopathy, myofibrillar, 9, with early respiratory failure (MFM9). Also called: Myopathy, distal, with early respiratory failure, autosomal dominant; Hereditary myopathy with early respiratory failure; EDSTROM MYOPATHY; MYOPATHY, PROXIMAL, WITH EARLY RESPIRATORY MUSCLE INVOLVEMENT. Identifiers: Orphanet 178464, Orphanet 34521, MedGen C1863599, MONDO:0011362, OMIM 603689.
Tibial muscular dystrophy (TMD). Also called: Tibial muscular dystrophy, tardive; Udd Distal Myopathy – Tibial Muscular Dystrophy; UDD MYOPATHY. Identifiers: Orphanet 609, MedGen C1838244, MONDO:0010870, OMIM 600334.
Cardiovascular phenotype. Identifiers: MedGen CN230736.

Allele frequency attached by ClinVar (database versions not stated): gnomAD 0.00001; gnomAD exomes 0.00002 and 0.00008; TOPMed 0.00003; ExAC 0.00004.
gnomAD v4.1: 26 of 1,614,022 alleles (0.0016%); highest among the groups gnomAD compares: Admixed American, 0.038%; no homozygotes.

Submissions (7):

PreventionGenetics, part of Exact Sciences
Classification: Uncertain significance for TTN-related condition. Last evaluated: 2026-02-05. Review status: criteria provided, single submitter. Criteria: ACMG Guidelines, 2015. Collection method: clinical testing. Allele origin: germline.
Comment: The TTN c.2371-1G>A variant is predicted to disrupt the AG splice acceptor site and interfere with normal splicing. To our knowledge, this variant has not been reported in the literature in individuals with TTN-related disorders. This variant affects the canonical splice acceptor site of an in-frame exon located in the TTN protein Z-disk region. RNAseq studies from heart tissue indicate this exon is commonly included in TTN mRNA transcripts (PSI of 99%, Roberts et al. 2015. PubMed ID: 25589632). TTN loss-of-function variants occurring in constitutively expressed exons (PSI > 90%) are more likely to be disease causing for TTN cardiac-related disorders regardless of band location (Roberts et al. 2015. PubMed ID: 25589632; Schafer et al. 2017. PubMed ID: 27869827; Akhtar et al. 2020. PubMed ID: 32964742). Many cases of recessive TTN-related myopathies in which the individual is compound heterozygous for two loss-of-function variants in TTN have also been reported (Ge et al. 2019. PubMed ID: 31053406; Oates et al. 2018. PubMed ID: 29691892; Rees et al. 2021. PubMed ID: 33449170). This variant is reported in 0.055% of alleles in individuals of Latino descent in gnomAD. Although we suspect that this variant may be pathogenic, at this time, the clinical significance of this variant is uncertain due to the absence of conclusive functional and genetic evidence.

Variantyx, Inc.
Classification: Likely pathogenic for Dilated cardiomyopathy 1G. Last evaluated: 2025-12-05. Review status: criteria provided, single submitter. Criteria: Variantyx Assertion Criteria 2022. Collection method: clinical testing. Allele origin: germline. Inheritance: Autosomal dominant inheritance. Affected: yes.
Comment: This is a canonical splicing variant in the TTN gene (OMIM: 188840). Pathogenic variants in this gene have been associated with autosomal dominant dilated cardiomyopathy. This splicing variant localizes to the Z-band region of titin (PSI=100%)and is expected to result in loss of function. Loss of function variants in constitutively expressed exons (PSI>90%) are significantly associated with DCM regardless of their position in titin (PMID: 27869827, 32964742, 27869827) (PVS1). This variant has a 0.0383% maximum allele frequency in non-founder control populations (PM2)., and it has been reported in the heterozygous state in at least two unrelated individuals (PMID 33226272, 35499102). Based on the current evidence, this variant is classified as likely pathogenic for autosomal dominant dilated cardiomyopathy.

Ambry Genetics
Classification: Uncertain significance for Cardiovascular phenotype. Last evaluated: 2025-11-25. Review status: criteria provided, single submitter. Criteria: Ambry Variant Classification Scheme 2023. Collection method: clinical testing. Allele origin: germline.
Comment: The c.2233-1G>A intronic variant results from a G to A substitution one nucleotide upstream from coding exon 13 of the TTN gene. This exon is located in the Z-disk region of the N2-B isoform of the titin protein and is constitutively expressed in TTN transcripts (percent spliced in or PSI 99%). This nucleotide position is highly conserved in available vertebrate species. In silico splice site analysis predicts that this alteration will weaken the native splice acceptor site. This variant disrupts the canonical splice site and is expected to cause aberrant splicing. However, although direct evidence is unavailable, this alteration is predicted to result in an in-frame transcript that is not expected to trigger nonsense-mediated mRNA decay. The exact functional effect of the predicted splice impact is unknown. Based on the available evidence, the clinical significance of this variant remains unclear.

Labcorp Genetics (formerly Invitae), Labcorp
Classification: Likely pathogenic for Dilated cardiomyopathy 1G; Autosomal recessive limb-girdle muscular dystrophy type 2J. Last evaluated: 2025-10-13. Review status: criteria provided, single submitter. Criteria: Invitae Variant Classification Sherloc (09022015). Collection method: clinical testing. Allele origin: germline.
Comment: This sequence change affects an acceptor splice site in intron 14 of the TTN gene. It is expected to disrupt RNA splicing and likely results in a truncated or disrupted TTN protein. This variant is present in population databases (rs755365744, gnomAD 0.05%). This variant has not been reported in the literature in individuals affected with TTN-related conditions. ClinVar contains an entry for this variant (Variation ID: 582625). Algorithms developed to predict the effect of sequence changes on RNA splicing suggest that this variant may disrupt the consensus splice site. This variant is located in the Z band of TTN (PMID: 25589632). Truncating variants in this region have been reported in individuals affected with autosomal recessive centronuclear myopathy (PMID: 33449170, internal data). Truncating variants in this region have also been identified in individuals affected with autosomal dominant dilated cardiomyopathy and/or cardio-related conditions (PMID: 27869827, 32964742, internal data). In summary, the currently available evidence indicates that the variant is pathogenic, but additional data are needed to prove that conclusively. Therefore, this variant has been classified as Likely Pathogenic.

Women's Health and Genetics/Laboratory Corporation of America, LabCorp
Classification: Likely pathogenic for Autosomal recessive titinopathy. Last evaluated: 2025-09-11. Review status: criteria provided, single submitter. Criteria: LabCorp Variant Classification Summary - May 2015. Collection method: clinical testing. Allele origin: germline.
Comment: Variant summary: TTN c.2371-1G>A is located in a canonical splice-site and is predicted to affect mRNA splicing resulting in a significantly altered protein due to either exon skipping, shortening, or inclusion of intronic material. Variants that disrupt the consensus splice site are a relatively common cause of aberrant splicing and loss of TTN function. Loss of function variants in all TTN bands are strongly associated with a spectrum of autosomal recessive titinopathies when exon expression (proportion spliced in, PSI, 1=complete expression) in skeletal muscle is >0.1 (PMID: 36977548, 39198997, 29598826, 32778822, 29691892, 33449170, 36977548, internal data). In contrast, loss of function variants in all TTN bands are only strongly associated with autosomal dominant TTN-related cardiomyopathies if located in exons constitutively expressed (PSI >0.9) in cardiac muscle, excluding extreme C-terminal exons 359-363 (PMID: 25589632, 31216868, 32964742, 34662387, 27869827, Shetty et al., Nat Cardiovasc Res 2024,, internal data). This variant has a maximum skeletal muscle PSI of 0.979 and a maximum cardiac muscle PSI of 0.99. Several computational tools predict a significant impact on normal splicing: Four predict the variant abolishes a 3' acceptor site. One predict the variant creates a 5' donor site. However, these predictions have yet to be confirmed by functional studies. The variant allele was found at a frequency of 8e-05 in 251274 control chromosomes. This frequency is not significantly higher than estimated for disease-causing variants in TTN, allowing no conclusion about variant significance. To our knowledge, no occurrence of c.2371-1G>A in individuals affected with TTN-related conditions and no experimental evidence demonstrating its impact on protein function have been reported. ClinVar contains an entry for this variant (Variation ID: 582625). Based on the evidence outlined above, the variant was classified as likely pathogenic.

Revvity Omics, Revvity
Classification: Uncertain significance. Last evaluated: 2023-11-28. Review status: criteria provided, single submitter. Criteria: ACMG Guidelines, 2015. Collection method: clinical testing. Allele origin: germline.

Fulgent Genetics
Classification: Uncertain significance for Tibial muscular dystrophy; Myopathy, myofibrillar, 9, with early respiratory failure; Dilated cardiomyopathy 1G; Autosomal recessive limb-girdle muscular dystrophy type 2J; Early-onset myopathy with fatal cardiomyopathy; Hypertrophic cardiomyopathy 9. Last evaluated: 2021-11-11. Review status: criteria provided, single submitter. Criteria: ACMG Guidelines, 2015. Collection method: clinical testing. Allele origin: unknown.

Literature cited by the submitters: PubMed 27869827 (cited by Variantyx, Inc. and Labcorp Genetics (formerly Invitae), Labcorp); PubMed 32964742 (cited by Variantyx, Inc. and Labcorp Genetics (formerly Invitae), Labcorp); PubMed 25589632 (cited by Labcorp Genetics (formerly Invitae), Labcorp); PubMed 33449170 (cited by Labcorp Genetics (formerly Invitae), Labcorp).